The following is an entry in ClinVar:

NM_019112.4(ABCA7):c.3076C>T (p.Arg1026Cys)

Gene: ABCA7 (ATP binding cassette subfamily A member 7; plus strand). Cytogenetic location: 19p13.3.
Variant type: single nucleotide variant.
Coding change: c.3076C>T on transcript NM_019112.4 (MANE Select); coding-DNA position 3076, C replaced by T.
Protein change: p.Arg1026Cys; replaces arginine 1026 with cysteine.
Molecular consequence: missense variant.
Genome position (GRCh38, 1-based): chr19:1,052,055, C>T. VCF-style: chr19-1052055-C-T. GRCh37 (hg19) VCF-style: chr19-1052054-C-T.
Other names: short protein forms R1026C.
Identifiers: ClinVar variation 816829 (VCV000816829.4), dbSNP rs141322593, ClinGen allele CA9033883.
Genomic context (GRCh38, chr19:1,052,055, plus strand): 5'-GACCGTGTGGCCGTGGTGGCAGGTGGCCGCTTGTGCTGCTGTGGCTCCCCACTCTTCCTG[C>T]GCCGTCACCTGGGCTCCGGCTACTACCTGACGCTGGTGAAGGCCCGCCTGCCCCTGACCA-3'
Protein context (NP_061985.2, residues 1016-1036): LCCCGSPLFL[Arg1026Cys]RHLGSGYYLT

ClinVar aggregate classification (germline): Uncertain significance. Review status: criteria provided, multiple submitters, no conflicts (2 of 4 stars). 3 submissions from 3 submitters: Uncertain significance (2). 1 of the submissions does not count toward it. Last evaluated 2026-06-11.

Conditions:
Flexion contracture. Also called: Contractures; Flexion deformity; Contracture. Identifiers: MedGen C0333068, HP:0001371.

Allele frequency attached by ClinVar (database versions not stated): gnomAD exomes 0.00004 and 0.00010; 1000 Genomes Project 30x 0.00016; ExAC 0.00016; 1000 Genomes Project 0.00020; TOPMed 0.00021; gnomAD 0.00023 and 0.00026; ESP Exome Variant Server 0.00031.
gnomAD v4.1: 97 of 1,612,234 alleles (0.006%); highest among the groups gnomAD compares: African/African-American, 0.084%; no homozygotes.

Submissions (3):

Women's Health and Genetics/Laboratory Corporation of America, LabCorp
Classification: Uncertain significance. Last evaluated: 2026-06-11. Review status: criteria provided, single submitter. Criteria: LabCorp Variant Classification Summary - May 2015. Collection method: clinical testing. Allele origin: germline.
Comment: Variant summary: ABCA7 c.3076C>T (p.Arg1026Cys) results in a non-conservative amino acid change in the encoded protein sequence. Algorithms developed to predict the effect of missense changes on protein structure and function all suggest that this variant is likely to be disruptive. The variant allele was found at a frequency of 9.7e-05 in 248630 control chromosomes. This frequency is not significantly higher than estimated for disease-causing variants in ABCA7, allowing no conclusion about variant significance. To our knowledge, no occurrence of c.3076C>T in individuals affected with ABCA7-related conditions and no experimental evidence demonstrating its impact on protein function have been reported. ClinVar contains an entry for this variant (Variation ID: 816829). Based on the evidence outlined above, the variant was classified as uncertain significance.

Breakthrough Genomics
Classification: Uncertain significance. Review status: criteria provided, single submitter. Criteria: ACMG Guidelines, 2015. Collection method: not provided. Allele origin: germline. Inheritance: Autosomal dominant inheritance. Affected: yes.

Lupski Lab, Baylor-Hopkins CMG, Baylor College of Medicine
Classification: Uncertain significance for Flexion contracture. Review status: no assertion criteria provided. Collection method: research. Allele origin: inherited. Inheritance: Autosomal recessive inheritance. Affected: yes. Observed: 2 variant alleles, 1 heterozygote, 1 compound heterozygote. Not counted in ClinVar's aggregate classification.